The following is an entry in ClinVar:

NM_015541.3(LRIG1):c.2195C>T (p.Pro732Leu)

Gene: LRIG1 (leucine rich repeats and immunoglobulin like domains 1; minus strand). Cytogenetic location: 3p14.1.
Variant type: single nucleotide variant.
Coding change: c.2195C>T on transcript NM_015541.3 (MANE Select); coding-DNA position 2195, C replaced by T.
Protein change: p.Pro732Leu; replaces proline 732 with leucine.
Molecular consequence: missense variant.
Genome position (GRCh38, 1-based): chr3:66,383,278, G>A on the plus strand (C>T on the coding strand, the complement: LRIG1 is on the minus strand). VCF-style: chr3-66383278-G-A. GRCh37 (hg19) VCF-style: chr3-66433702-G-A.
Other names: c.2120C>T, p.Pro707Leu (NM_001377344.1); c.1415C>T, p.Pro472Leu (NM_001377345.1, NM_001377346.1); c.1193C>T, p.Pro398Leu (NM_001377347.1); c.1166C>T, p.Pro389Leu (NM_001377348.1); c.911C>T, p.Pro304Leu (NM_001377349.1); short protein forms P304L, P389L, P398L, P472L, P707L, P732L.
Identifiers: ClinVar variation 3039697 (VCV003039697.2), dbSNP rs61746346, ClinGen allele CA2484455.

ClinVar aggregate classification (germline): Benign (0 of 4 stars; one submission).

Conditions:
LRIG1-related disorder. Also called: LRIG1-related condition.

Allele frequency attached by ClinVar (database versions not stated): ExAC 0.00219; gnomAD 0.00496; ESP Exome Variant Server 0.00669; 1000 Genomes Project 0.00739; 1000 Genomes Project 30x 0.00781.
gnomAD v4.1: 2,273 of 1,613,840 alleles (0.14%); highest among the groups gnomAD compares: African/African-American, 1.7%; 12 homozygotes.

Submission:

PreventionGenetics, part of Exact Sciences
Classification: Benign for LRIG1-related condition. Last evaluated: 2019-05-23. Review status: no assertion criteria provided. Collection method: clinical testing. Allele origin: germline.
Comment: This variant is classified as benign based on ACMG/AMP sequence variant interpretation guidelines (Richards et al. 2015 PMID: 25741868, with internal and published modifications).